The following is an entry in ClinVar:

NM_000391.4(TPP1):c.772G>T (p.Ala258Ser)

Gene: TPP1 (tripeptidyl peptidase 1; minus strand). Cytogenetic location: 11p15.4.
Variant type: single nucleotide variant.
Coding change: c.772G>T on transcript NM_000391.4 (MANE Select); coding-DNA position 772, G replaced by T.
Protein change: p.Ala258Ser; replaces alanine 258 with serine.
Molecular consequence: missense variant.
Genome position (GRCh38, 1-based): chr11:6,616,775, C>A on the plus strand (G>T on the coding strand, the complement: TPP1 is on the minus strand). VCF-style: chr11-6616775-C-A. GRCh37 (hg19) VCF-style: chr11-6638006-C-A.
Other names: short protein forms A258S.
Identifiers: ClinVar variation 565552 (VCV000565552.8), dbSNP rs773247372, ClinGen allele CA5858841.

ClinVar aggregate classification (germline): Uncertain significance (1 of 4 stars; one submission).

Allele frequency attached by ClinVar (database versions not stated): ExAC 0.00001; gnomAD 0.00001; TOPMed 0.00003.
gnomAD v4.1: 6 of 1,613,886 alleles (0.00037%); highest among the groups gnomAD compares: African/African-American, 0.0027%; no homozygotes.

Submission:

Labcorp Genetics (formerly Invitae), Labcorp
Classification: Uncertain significance. Last evaluated: 2022-06-22. Review status: criteria provided, single submitter. Criteria: Invitae Variant Classification Sherloc (09022015). Collection method: clinical testing. Allele origin: germline.
Comment: This sequence change replaces alanine, which is neutral and non-polar, with serine, which is neutral and polar, at codon 258 of the TPP1 protein (p.Ala258Ser). This variant is present in population databases (rs773247372, gnomAD 0.007%). This variant has not been reported in the literature in individuals affected with TPP1-related conditions. ClinVar contains an entry for this variant (Variation ID: 565552). Advanced modeling of protein sequence and biophysical properties (such as structural, functional, and spatial information, amino acid conservation, physicochemical variation, residue mobility, and thermodynamic stability) performed at Invitae indicates that this missense variant is not expected to disrupt TPP1 protein function. In summary, the available evidence is currently insufficient to determine the role of this variant in disease. Therefore, it has been classified as a Variant of Uncertain Significance.